The following is an entry in ClinVar:

NM_000969.5(RPL5):c.190-2A>G

Genes: DIPK1A (divergent protein kinase domain 1A; minus strand), RPL5 (ribosomal protein L5; plus strand). Cytogenetic location: 1p22.1.
Variant type: single nucleotide variant.
Coding change: c.190-2A>G on transcript NM_000969.5 (MANE Select); the canonical splice acceptor site of the intron before coding-DNA position 190, A replaced by G.
Molecular consequence: splice acceptor variant. On other transcripts: intron variant (1).
Genome position (GRCh38, 1-based): chr1:92,834,777, A>G. VCF-style: chr1-92834777-A-G. GRCh37 (hg19) VCF-style: chr1-93300334-A-G.
Other names: c.475-1743T>C (NM_001252273.2).
Identifiers: ClinVar variation 4531713 (VCV004531713.1).
Genomic context (GRCh38, chr1:92,834,777, plus strand): 5'-ATTAAGATGTAGTAAGACAGTGAAAGCAACAGATTACTAACCTAGTTTCTCTCTTACTAT[A>G]GATTGCTTATGCCCGTATAGAGGGGGATATGATAGTCTGCGCAGCGTATGCACACGAACT-3'

ClinVar aggregate classification (germline): Likely pathogenic (1 of 4 stars; one submission).

Conditions:
Diamond-Blackfan anemia 6 (DBA6). Also called: RPL5-Related Diamond-Blackfan Anemia. Identifiers: Orphanet 124, MedGen C2931850, MONDO:0012937, OMIM 612561.

Submission:

Victorian Clinical Genetics Services, Murdoch Childrens Research Institute
Classification: Likely pathogenic for Diamond-Blackfan anemia 6. Last evaluated: 2025-11-05. Review status: criteria provided, single submitter. Criteria: ACMG Guidelines, 2015. Collection method: clinical testing. Allele origin: germline. Affected: yes.
Comment: This variant is classified as Likely pathogenic. Evidence in support of pathogenic classification: Canonical splice site variant without proven consequence on splicing (no functional evidence available); Variant is absent from gnomAD (v2, v3 and v4); Abnormal splicing is predicted by in silico tool and affected nucleotide is highly conserved; Additional information: This variant is heterozygous; This gene is associated with autosomal dominant disease; This variant has no previous evidence of pathogenicity; No published evidence of segregation with disease has been identified for this variant; No published functional evidence has been identified for this variant; No comparable splice site variants have previous evidence for pathogenicity; Loss of function is a known mechanism of disease in this gene and is associated with Diamond-Blackfan anaemia 6 (MIM#612561).